The following is an entry in ClinVar:

ClinVar aggregate classification (germline): Uncertain significance (1 of 4 stars; one submission).

Submission:

Labcorp Genetics (formerly Invitae), Labcorp
Classification: Uncertain significance. Last evaluated: 2021-08-11. Review status: criteria provided, single submitter. Criteria: Invitae Variant Classification Sherloc (09022015). Collection method: clinical testing. Allele origin: germline.
Comment: This sequence change replaces isoleucine with valine at codon 394 of the PCNT protein (p.Ile394Val). The isoleucine residue is moderately conserved and there is a small physicochemical difference between isoleucine and valine. This variant is not present in population databases (ExAC no frequency). This variant has not been reported in the literature in individuals affected with PCNT-related conditions. Algorithms developed to predict the effect of missense changes on protein structure and function output the following: SIFT: "Tolerated"; PolyPhen-2: "Benign"; Align-GVGD: "Class C0". The valine amino acid residue is found in multiple mammalian species, which suggests that this missense change does not adversely affect protein function. Algorithms developed to predict the effect of sequence changes on RNA splicing suggest that this variant may create or strengthen a splice site. In summary, the available evidence is currently insufficient to determine the role of this variant in disease. Therefore, it has been classified as a Variant of Uncertain Significance.

NM_006031.6(PCNT):c.1180A>G (p.Ile394Val)

Gene: PCNT (pericentrin; plus strand). Cytogenetic location: 21q22.3.
Variant type: single nucleotide variant.
Coding change: c.1180A>G on transcript NM_006031.6 (MANE Select); coding-DNA position 1180, A replaced by G.
Protein change: p.Ile394Val; replaces isoleucine 394 with valine.
Molecular consequence: missense variant.
Genome position (GRCh38, 1-based): chr21:46,349,159, A>G. VCF-style: chr21-46349159-A-G. GRCh37 (hg19) VCF-style: chr21-47769073-A-G.
Other names: c.826A>G, p.Ile276Val (NM_001315529.2); short protein forms I276V, I394V.
Identifiers: ClinVar variation 1492707 (VCV001492707.3), dbSNP rs2146590047, ClinGen allele CA410556139.